The following is an entry in ClinVar:

NM_001130987.2(DYSF):c.5000G>T (p.Gly1667Val)

Gene: DYSF (dysferlin; plus strand). Cytogenetic location: 2p13.2.
Variant type: single nucleotide variant.
Coding change: c.5000G>T on transcript NM_001130987.2 (MANE Select); coding-DNA position 5000, G replaced by T.
Protein change: p.Gly1667Val; replaces glycine 1667 with valine.
Molecular consequence: missense variant.
Genome position (GRCh38, 1-based): chr2:71,660,648, G>T. VCF-style: chr2-71660648-G-T. GRCh37 (hg19) VCF-style: chr2-71887778-G-T.
Other names: NM_001130987.2(DYSF):c.5000G>T; p.Gly1667Val; c.4886G>T, p.Gly1629Val (NM_001130455.2); c.4841G>T, p.Gly1614Val (NM_001130976.2); c.4904G>T, p.Gly1635Val (NM_001130977.2); c.4946G>T, p.Gly1649Val (NM_001130978.2); c.4976G>T, p.Gly1659Val (NM_001130979.2); c.4934G>T, p.Gly1645Val (NM_001130980.2); and 7 more; short protein forms G1650V, G1659V, G1660V, G1667V, G1614V, G1628V, G1629V, G1666V.
Identifiers: ClinVar variation 658470 (VCV000658470.9), dbSNP rs1573020369, ClinGen allele CA347220124.

ClinVar aggregate classification (germline): Pathogenic. Review status: reviewed by expert panel (3 of 4 stars). 2 submissions from 2 submitters: Pathogenic (1). 1 of the submissions does not count toward it. Last evaluated 2026-01-23.

Conditions:
Neuromuscular disease caused by qualitative or quantitative defects of dysferlin. Also called: Dysferlinopathy; Qualitative or quantitative defects of dysferlin. Identifiers: Orphanet 207073, MedGen C2931687, MONDO:0016145.
Autosomal recessive limb-girdle muscular dystrophy. Identifiers: Orphanet 102015, MedGen C2931907, MONDO:0015152.

Allele frequency attached by ClinVar (database versions not stated): gnomAD exomes below 0.00001.
gnomAD v4.1: 1 of 1,613,766 alleles (0.000062%); highest among the groups gnomAD compares: Non-Finnish European, 0.000085%; no homozygotes.

Submissions (2):

ClinGen Limb Girdle Muscular Dystrophy Variant Curation Expert Panel, ClinGen
Classification: Pathogenic for Autosomal recessive limb-girdle muscular dystrophy. Last evaluated: 2026-01-23. Review status: reviewed by expert panel. Criteria: ClinGen LGMD VCEP ACMG Specifications DYSF V2.0.0. Collection method: curation. Allele origin: germline. Inheritance: Autosomal recessive inheritance.
Comment: The NM_003494.4: c.4883G>T variant in DYSF, which is also known as NM_001130987.2: c.5000G>T p.(Gly1667Val), is a missense variant predicted to cause substitution of glycine to valine at amino acid 1628, p.(Gly1628Val). This variant has been observed in one individual with LGMD with a second pathogenic variant in unknown phase (NM_003494.4: c.1020C>A p.(Ser340Arg), 0.5 pts, PMID: 19528035; PM3_Supporting). This individual also had reduced dysferlin expression in muscle, which is highly specific for DYSF-related LGMD (PP4_Strong). The highest population frequency of this variant is 0.0000008477 in the European (non-Finnish) population in gnomAD v4.1.0 (1/1179708 chromosomes), which is lower than the LGMD VCEP threshold (<0.0001) for PM2_Supporting, meeting this criterion (PM2_Supporting). Immunofluorescence and 2-A assays of dysferlin membrane localization in HEK293T cells showed the Gly1628Val protein did not reach the cell membrane, indicating an impact on protein function (PMID: 35028538) (PS3_Moderate). The computational predictor REVEL gives a score of 0.73, which is above the LGMD VCEP threshold of ≥0.70, evidence that correlates with impact to DYSF function (PP3). In addition, another missense variant at the same codon, NM_003494.4: c.4882G>A p.(Gly1628Arg), has been classified as likely pathogenic by the ClinGen LGMD VCEP (PM5_Supporting). In summary, this variant is classified as Pathogenic for autosomal recessive limb girdle muscular dystrophy based on the ACMG/AMP criteria applied, as specified by the ClinGen LGMD VCEP (specifications version 2.0.0; 01/23/2026): PM3_Supporting, PP4_Strong, PP3, PS3_Moderate, PM2_Supporting, PM5_Supporting.

Labcorp Genetics (formerly Invitae), Labcorp
Classification: Pathogenic for Neuromuscular disease caused by qualitative or quantitative defects of dysferlin. Last evaluated: 2024-07-06. Review status: criteria provided, single submitter. Criteria: Invitae Variant Classification Sherloc (09022015). Collection method: clinical testing. Allele origin: germline. Not counted in ClinVar's aggregate classification.
Comment: This sequence change replaces glycine, which is neutral and non-polar, with valine, which is neutral and non-polar, at codon 1628 of the DYSF protein (p.Gly1628Val). This variant is not present in population databases (gnomAD no frequency). This missense change has been observed in individual(s) with DYSF-related conditions (PMID: 19528035, 33610434; Invitae). ClinVar contains an entry for this variant (Variation ID: 658470). Advanced modeling of protein sequence and biophysical properties (such as structural, functional, and spatial information, amino acid conservation, physicochemical variation, residue mobility, and thermodynamic stability) performed at Invitae indicates that this missense variant is expected to disrupt DYSF protein function with a positive predictive value of 95%. Algorithms developed to predict the effect of sequence changes on RNA splicing suggest that this variant may create or strengthen a splice site. This variant disrupts the p.Gly1628 amino acid residue in DYSF. Other variant(s) that disrupt this residue have been observed in individuals with DYSF-related conditions (PMID: 22194990), which suggests that this may be a clinically significant amino acid residue. For these reasons, this variant has been classified as Pathogenic.

Literature cited by the submitters: PubMed 19528035 (cited by Labcorp Genetics (formerly Invitae), Labcorp); PubMed 33610434 (cited by Labcorp Genetics (formerly Invitae), Labcorp); PubMed 22194990 (cited by Labcorp Genetics (formerly Invitae), Labcorp).